The following is an entry in ClinVar:

ClinVar aggregate classification (germline): Uncertain significance. Review status: criteria provided, multiple submitters, no conflicts (2 of 4 stars). 2 submissions from 2 submitters: Uncertain significance (2). Last evaluated 2026-02-23.

Conditions:
Dilated cardiomyopathy 1O (CMD1O). Also called: CARDIOMYOPATHY, DILATED, WITH VENTRICULAR TACHYCARDIA. Identifiers: Orphanet 154, MedGen C1837839, MONDO:0012062, OMIM 608569.
Cardiovascular phenotype. Identifiers: MedGen CN230736.

Allele frequency attached by ClinVar (database versions not stated): TOPMed 0.00002; gnomAD exomes 0.00003; ExAC 0.00005.
gnomAD v4.1: 7 of 1,612,228 alleles (0.00043%); highest among the groups gnomAD compares: Admixed American, 0.012%; no homozygotes.

Submissions (2):

Ambry Genetics
Classification: Uncertain significance for Cardiovascular phenotype. Last evaluated: 2026-02-23. Review status: criteria provided, single submitter. Criteria: Ambry Variant Classification Scheme 2023. Collection method: clinical testing. Allele origin: germline.
Comment: The c.2418A>T variant (also known as p.G806G), located in coding exon 19 of the ABCC9 gene, results from an A to T substitution at nucleotide position 2418. This nucleotide substitution does not change the amino acid at codon 806. This nucleotide position is highly conserved in available vertebrate species. In silico splice site analysis predicts that this alteration may result in the creation or strengthening of a novel splice donor site. Based on the available evidence, the clinical significance of this variant remains unclear.

Labcorp Genetics (formerly Invitae), Labcorp
Classification: Uncertain significance for Dilated cardiomyopathy 1O. Last evaluated: 2025-05-25. Review status: criteria provided, single submitter. Criteria: Invitae Variant Classification Sherloc (09022015). Collection method: clinical testing. Allele origin: germline.
Comment: This sequence change affects codon 806 of the ABCC9 mRNA. It is a 'silent' change, meaning that it does not change the encoded amino acid sequence of the ABCC9 protein. This variant is present in population databases (rs761421687, gnomAD 0.02%). This variant has not been reported in the literature in individuals affected with ABCC9-related conditions. ClinVar contains an entry for this variant (Variation ID: 1413699). Algorithms developed to predict the effect of sequence changes on RNA splicing suggest that this variant may disrupt the consensus splice site. In summary, the available evidence is currently insufficient to determine the role of this variant in disease. Therefore, it has been classified as a Variant of Uncertain Significance.

NM_020297.4(ABCC9):c.2418A>T (p.Gly806=)

Gene: ABCC9 (ATP binding cassette subfamily C member 9; minus strand). Cytogenetic location: 12p12.1.
Variant type: single nucleotide variant.
Coding change: c.2418A>T on transcript NM_020297.4 (MANE Select); coding-DNA position 2418, A replaced by T.
Protein change: p.Gly806=; no amino-acid change (glycine 806 retained).
Molecular consequence: synonymous variant.
Genome position (GRCh38, 1-based): chr12:21,860,977, T>A on the plus strand (A>T on the coding strand, the complement: ABCC9 is on the minus strand). VCF-style: chr12-21860977-T-A. GRCh37 (hg19) VCF-style: chr12-22013911-T-A.
Other names: c.2418A>T, p.Gly806= (NM_001377273.1, NM_005691.4); c.1551A>T, p.Gly517= (NM_001377274.1); c.2418A>T (NM_005691.2).
Identifiers: ClinVar variation 1413699 (VCV001413699.7), dbSNP rs761421687, ClinGen allele CA6481395.